The following is an entry in ClinVar:

ClinVar aggregate classification (germline): Pathogenic (0 of 4 stars; one submission).

Conditions:
TSC1-related disorder. Also called: TSC1-related condition.

Submission:

PreventionGenetics, part of Exact Sciences
Classification: Pathogenic for TSC1-related condition. Last evaluated: 2024-01-16. Review status: no assertion criteria provided. Collection method: clinical testing. Allele origin: germline.
Comment: The TSC1 c.2282dupA variant is predicted to result in premature protein termination (p.Tyr761*). To our knowledge, this variant has not been reported in the literature or in a large population database, indicating this variant is rare. Nonsense variants in TSC1 are expected to be pathogenic. This variant is interpreted as pathogenic.

NM_000368.5(TSC1):c.2282dup (p.Tyr761Ter)

Gene: TSC1 (TSC complex subunit 1; minus strand). Cytogenetic location: 9q34.13.
Variant type: Duplication.
Coding change: c.2282dup on transcript NM_000368.5 (MANE Select); coding-DNA position 2282, one base duplicated (A; older notation c.2282dupA).
Protein change: p.Tyr761Ter; replaces tyrosine 761 with a stop codon.
Molecular consequence: nonsense. On other transcripts: non-coding transcript variant (5), frameshift variant (1).
Genome position (GRCh38, 1-based): chr9:132,902,714, T duplicated on the plus strand (A on the coding strand, the reverse complement: TSC1 is on the minus strand). VCF-style (leftmost placement, unchanged base first): chr9-132902713-G-GT. GRCh37 (hg19) VCF-style: chr9-135778100-G-GT.
Other names: c.2279dup, p.Tyr760Ter (NM_001162426.2, NM_001406597.1, NM_001406598.1 and 4 more transcripts); c.2129dup, p.Tyr710Ter (NM_001162427.2, NM_001406610.1); c.1919dup, p.Tyr640Ter (NM_001362177.2, NM_001406614.1, NM_001406615.1 and 5 more transcripts); c.2282dup, p.Tyr761Ter (NM_001406592.1, NM_001406593.1, NM_001406594.1 and 5 more transcripts); c.2267dup, p.Tyr756Ter (NM_001406601.1, NM_001406602.1); c.2264dup, p.Tyr755Ter (NM_001406603.1, NM_001406604.1); c.2126dup, p.Tyr709Ter (NM_001406611.1, NM_001406612.1, NM_001406613.1); c.1916dup, p.Tyr639Ter (NM_001406620.1, NM_001406621.1, NM_001406622.1 and 2 more transcripts); and 4 more; short protein forms Y410*, Y443*, Y444*, Y639*, Y640*, Y709*, Y710*, Y755*.
Identifiers: ClinVar variation 3032833 (VCV003032833.2), dbSNP rs2538619028, ClinGen allele CA2740090857.
Genomic context (GRCh38, chr9:132,902,713, plus strand): 5'-CTGTCTGATCTGGCTGTGGAGCTTGGTTACCATAGTGTCACGCTGCTCCTGGAGCTGATT[G>GT]TATCTAGCTTGTTCTTTCTGCAGACTAACCTTCCACATCTGGATGTCCTTCTCTTGTAAC-3'